The following is an entry in ClinVar:

NM_001286577.2(C2CD3):c.2085+3A>G

Gene: C2CD3 (C2 domain containing 3 centriole elongation regulator; minus strand). Cytogenetic location: 11q13.4.
Variant type: single nucleotide variant.
Coding change: c.2085+3A>G on transcript NM_001286577.2 (MANE Select); 3 bases into the intron after coding-DNA position 2085, A replaced by G.
Molecular consequence: intron variant.
Genome position (GRCh38, 1-based): chr11:74,106,368, T>C on the plus strand (A>G on the coding strand, the complement: C2CD3 is on the minus strand). VCF-style: chr11-74106368-T-C. GRCh37 (hg19) VCF-style: chr11-73817413-T-C.
Other names: c.2085+3A>G (NM_015531.6).
Identifiers: ClinVar variation 2091791 (VCV002091791.4), dbSNP rs761194875, ClinGen allele CA6182730.
Genomic context (GRCh38, chr11:74,106,368, plus strand): 5'-AGTGCCAGCCAATAATGCATACTCAGCAAATACTTCTGACTTCCTGAATGTATATCTACA[T>C]ACCTTGAGGGGGCCAAATGGAGACTGACCATTTTCTTGTTGCACTGGAAGCTGATCACTG-3'

ClinVar aggregate classification (germline): Uncertain significance (1 of 4 stars; one submission).

Allele frequency attached by ClinVar (database versions not stated): gnomAD exomes below 0.00001; TOPMed below 0.00001; ExAC 0.00001; gnomAD 0.00001.
gnomAD v4.1: 2 of 1,613,818 alleles (0.00012%); highest among the groups gnomAD compares: African/African-American, 0.0013%; no homozygotes.

Submission:

Labcorp Genetics (formerly Invitae), Labcorp
Classification: Uncertain significance. Last evaluated: 2022-02-02. Review status: criteria provided, single submitter. Criteria: Invitae Variant Classification Sherloc (09022015). Collection method: clinical testing. Allele origin: germline.
Comment: In summary, the available evidence is currently insufficient to determine the role of this variant in disease. Therefore, it has been classified as a Variant of Uncertain Significance. Variants that disrupt the consensus splice site are a relatively common cause of aberrant splicing (PMID: 17576681, 9536098). Algorithms developed to predict the effect of sequence changes on RNA splicing suggest that this variant may disrupt the consensus splice site. This variant has not been reported in the literature in individuals affected with C2CD3-related conditions. This variant is present in population databases (rs761194875, gnomAD 0.007%). This sequence change falls in intron 13 of the C2CD3 gene. It does not directly change the encoded amino acid sequence of the C2CD3 protein. It affects a nucleotide within the consensus splice site.

Literature cited by the submitters: PubMed 17576681; PubMed 9536098.